The following is an entry in ClinVar:

NM_001393937.1(MICAL2):c.4450C>T (p.Arg1484Cys)

Genes: MICAL2 (microtubule associated monooxygenase, calponin and LIM domain containing 2; plus strand), MICALCL (MICAL C-terminal like; plus strand). Cytogenetic location: 11p15.3.
Variant type: single nucleotide variant.
Coding change: c.4450C>T on transcript NM_001393937.1; coding-DNA position 4450, C replaced by T.
Protein change: p.Arg1484Cys; replaces arginine 1484 with cysteine.
Molecular consequence: missense variant.
Genome position (GRCh38, 1-based): chr11:12,294,095, C>T. VCF-style: chr11-12294095-C-T. GRCh37 (hg19) VCF-style: chr11-12315642-C-T.
Other names: short protein forms R1484C.
Identifiers: ClinVar variation 2641612 (VCV002641612.22), dbSNP rs75952256, ClinGen allele CA5890429.
Genomic context (GRCh38, chr11:12,294,095, plus strand): 5'-GTGCACCTCAAAGCTGGGGAGCGAATTTCCCAGAAAAGTGCTGAGAATGGTAGAGGAGGC[C>T]GTGTGCTAAAACCAGTCCGCCCCCTGCTGCTCCCTAGGGCAGCAGGAGAGCCCCTGCCAA-3'

ClinVar aggregate classification (germline): Likely benign (1 of 4 stars; one submission).

Allele frequency attached by ClinVar (database versions not stated): 1000 Genomes Project 30x 0.00312; gnomAD 0.00440; ESP Exome Variant Server 0.00511; 1000 Genomes Project 0.00319; TOPMed 0.00432.
gnomAD v4.1: 9,420 of 1,614,016 alleles (0.58%); highest among the groups gnomAD compares: Middle Eastern, 0.73%; 45 homozygotes.

Submission:

CeGaT Center for Human Genetics Tuebingen
Classification: Likely benign. Last evaluated: 2022-12-01. Review status: criteria provided, single submitter. Criteria: CeGaT Center For Human Genetics Tuebingen Variant Classification Criteria Version 2. Collection method: clinical testing. Allele origin: germline. Affected: yes. Observed: 1 variant allele.
Comment: MICAL2: BP4, BS2